The following is an entry in ClinVar:

ClinVar aggregate classification (germline): Uncertain significance (1 of 4 stars; one submission).

Conditions:
SETD1B-related disorder. Also called: SETD1B-related condition.

Allele frequency attached by ClinVar (database versions not stated): gnomAD 0.00002.
gnomAD v4.1: 9 of 1,536,294 alleles (0.00059%); highest among the groups gnomAD compares: East Asian, 0.0025%; no homozygotes.

Submission:

PreventionGenetics, part of Exact Sciences
Classification: Uncertain significance for SETD1B-related condition. Last evaluated: 2023-06-19. Review status: criteria provided, single submitter. Criteria: ACMG Guidelines, 2015. Collection method: clinical testing. Allele origin: germline.
Comment: The SETD1B c.4442G>A variant is predicted to result in the amino acid substitution p.Arg1481Gln. To our knowledge, this variant has not been reported in the literature. This variant is reported in 0.0095% of alleles in individuals of East Asian descent in gnomAD. At this time, the clinical significance of this variant is uncertain due to the absence of conclusive functional and genetic evidence.

NM_001353345.2(SETD1B):c.4571G>A (p.Arg1524Gln)

Gene: SETD1B (SET domain containing 1B, histone lysine methyltransferase; plus strand). Cytogenetic location: 12q24.31.
Variant type: single nucleotide variant.
Coding change: c.4571G>A on transcript NM_001353345.2 (MANE Select); coding-DNA position 4571, G replaced by A.
Protein change: p.Arg1524Gln; replaces arginine 1524 with glutamine.
Molecular consequence: missense variant.
Genome position (GRCh38, 1-based): chr12:121,823,150, G>A. VCF-style: chr12-121823150-G-A. GRCh37 (hg19) VCF-style: chr12-122261056-G-A.
Other names: NM_015048.1:c.4442G>A; short protein forms R1524Q.
Identifiers: ClinVar variation 2634889 (VCV002634889.1), dbSNP rs1427978047, ClinGen allele CA386999272.